The following is an entry in ClinVar:

NM_001367624.2(ZNF469):c.10511C>T (p.Ser3504Phe)

Gene: ZNF469 (zinc finger protein 469; plus strand). Cytogenetic location: 16q24.2.
Variant type: single nucleotide variant.
Coding change: c.10511C>T on transcript NM_001367624.2 (MANE Select); coding-DNA position 10511, C replaced by T.
Protein change: p.Ser3504Phe; replaces serine 3504 with phenylalanine.
Molecular consequence: missense variant.
Genome position (GRCh38, 1-based): chr16:88,437,981, C>T. VCF-style: chr16-88437981-C-T. GRCh37 (hg19) VCF-style: chr16-88504389-C-T.
Other names: NM_001127464.1:c.10427C>T; short protein forms S3504F.
Identifiers: ClinVar variation 3232727 (VCV003232727.2), dbSNP rs1329770485, ClinGen allele CA397127123.

ClinVar aggregate classification (germline): Uncertain significance. Review status: criteria provided, multiple submitters, no conflicts (2 of 4 stars). 2 submissions from 2 submitters: Uncertain significance (2). Last evaluated 2026-02-18.

Conditions:
Cardiovascular phenotype. Identifiers: MedGen CN230736.

gnomAD v4.1: 2 of 1,548,112 alleles (0.00013%); highest among the groups gnomAD compares: Middle Eastern, 0.017%; no homozygotes.

Submissions (2):

Women's Health and Genetics/Laboratory Corporation of America, LabCorp
Classification: Uncertain significance. Last evaluated: 2026-02-18. Review status: criteria provided, single submitter. Criteria: LabCorp Variant Classification Summary - May 2015. Collection method: clinical testing. Allele origin: germline.
Comment: Variant summary: ZNF469 c.10511C>T (p.Ser3504Phe) results in a non-conservative amino acid change in the encoded protein sequence. Algorithms developed to predict the effect of missense changes on protein structure and function are either unavailable or do not agree on the potential impact of this missense change. The frequency data for this variant in gnomAD is considered unreliable, as metrics indicate poor data quality at this position. To our knowledge, no occurrence of c.10511C>T in individuals affected with ZNF469-related conditions and no experimental evidence demonstrating its impact on protein function have been reported. ClinVar contains an entry for this variant (Variation ID: 3232727). Based on the evidence outlined above, the variant was classified as uncertain significance.

Ambry Genetics
Classification: Uncertain significance for Cardiovascular phenotype. Last evaluated: 2023-09-18. Review status: criteria provided, single submitter. Criteria: Ambry Variant Classification Scheme 2023. Collection method: clinical testing. Allele origin: germline.
Comment: The p.S3476F variant (also known as c.10427C>T), located in coding exon 2 of the ZNF469 gene, results from a C to T substitution at nucleotide position 10427. The serine at codon 3476 is replaced by phenylalanine, an amino acid with highly dissimilar properties. This amino acid position is conserved. In addition, this alteration is predicted to be tolerated by in silico analysis. Since supporting evidence is limited at this time, the clinical significance of this alteration remains unclear.